The following is an entry in ClinVar:

ClinVar aggregate classification (germline): Uncertain significance (1 of 4 stars; one submission).

Conditions:
Emery-Dreifuss muscular dystrophy 5, autosomal dominant (EDMD5). Also called: EMERY-DREIFUSS MUSCULAR DYSTROPHY 5. Identifiers: Orphanet 261, MedGen C2751805, MONDO:0013072, OMIM 612999.

Submission:

Labcorp Genetics (formerly Invitae), Labcorp
Classification: Uncertain significance for Emery-Dreifuss muscular dystrophy 5, autosomal dominant. Last evaluated: 2021-12-23. Review status: criteria provided, single submitter. Criteria: Invitae Variant Classification Sherloc (09022015). Collection method: clinical testing. Allele origin: germline.
Comment: This sequence change replaces glutamic acid, which is acidic and polar, with alanine, which is neutral and non-polar, at codon 2225 of the SYNE2 protein (p.Glu2225Ala). In summary, the available evidence is currently insufficient to determine the role of this variant in disease. Therefore, it has been classified as a Variant of Uncertain Significance. Algorithms developed to predict the effect of missense changes on protein structure and function are either unavailable or do not agree on the potential impact of this missense change (SIFT: "Tolerated"; PolyPhen-2: "Probably Damaging"; Align-GVGD: "Class C0"). This variant has not been reported in the literature in individuals affected with SYNE2-related conditions. This variant is not present in population databases (gnomAD no frequency).

NM_182914.3(SYNE2):c.6674A>C (p.Glu2225Ala)

Gene: SYNE2 (spectrin repeat containing nuclear envelope protein 2; plus strand). Cytogenetic location: 14q23.2.
Variant type: single nucleotide variant.
Coding change: c.6674A>C on transcript NM_182914.3 (MANE Select); coding-DNA position 6674, A replaced by C.
Protein change: p.Glu2225Ala; replaces glutamic acid 2225 with alanine.
Molecular consequence: missense variant.
Genome position (GRCh38, 1-based): chr14:64,027,753, A>C. VCF-style: chr14-64027753-A-C. GRCh37 (hg19) VCF-style: chr14-64494471-A-C.
Other names: c.6674A>C, p.Glu2225Ala (NM_015180.6); short protein forms E2225A.
Identifiers: ClinVar variation 2054521 (VCV002054521.4), dbSNP rs2548023121, ClinGen allele CA389949917.